The following is an entry in ClinVar:

NM_003024.3(ITSN1):c.725-1G>A

Gene: ITSN1 (intersectin 1; plus strand). Cytogenetic location: 21q22.11.
Variant type: single nucleotide variant.
Coding change: c.725-1G>A on transcript NM_003024.3 (MANE Select); the canonical splice acceptor site of the intron before coding-DNA position 725, G replaced by A.
Molecular consequence: splice acceptor variant.
Genome position (GRCh38, 1-based): chr21:33,761,922, G>A. VCF-style: chr21-33761922-G-A. GRCh37 (hg19) VCF-style: chr21-35134226-G-A.
Other names: c.725-1G>A (NM_001331010.2, NM_001001132.2, NM_001331008.2 and 2 more transcripts); c.614-1G>A (NM_001331012.2).
Identifiers: ClinVar variation 1960283 (VCV001960283.5), dbSNP rs2517248105, ClinGen allele CA410118119.

ClinVar aggregate classification (germline): Likely pathogenic (1 of 4 stars; one submission).

Submission:

Labcorp Genetics (formerly Invitae), Labcorp
Classification: Likely pathogenic. Last evaluated: 2022-07-16. Review status: criteria provided, single submitter. Criteria: Invitae Variant Classification Sherloc (09022015). Collection method: clinical testing. Allele origin: germline.
Comment: In summary, the currently available evidence indicates that the variant is pathogenic, but additional data are needed to prove that conclusively. Therefore, this variant has been classified as Likely Pathogenic. Algorithms developed to predict the effect of sequence changes on RNA splicing suggest that this variant may disrupt the consensus splice site. This variant has not been reported in the literature in individuals affected with ITSN1-related conditions. This variant is not present in population databases (gnomAD no frequency). This sequence change affects an acceptor splice site in intron 8 of the ITSN1 gene. It is expected to disrupt RNA splicing. Variants that disrupt the donor or acceptor splice site typically lead to a loss of protein function (PMID: 16199547), and loss-of-function variants in ITSN1 are known to be pathogenic (PMID: 34707297).

Literature cited by the submitters: PubMed 16199547; PubMed 34707297.